The following is an entry in ClinVar:

NM_004006.3(DMD):c.31+7A>T

Gene: DMD (dystrophin; minus strand). Cytogenetic location: Xp21.1.
Variant type: single nucleotide variant.
Coding change: c.31+7A>T on transcript NM_004006.3 (MANE Select); 7 bases into the intron after coding-DNA position 31, A replaced by T.
Molecular consequence: intron variant.
Genome position (GRCh38, 1-based): chrX:33,211,275, T>A on the plus strand (A>T on the coding strand, the complement: DMD is on the minus strand). VCF-style: chrX-33211275-T-A. GRCh37 (hg19) VCF-style: chrX-33229392-T-A.
Other names: c.7+127984A>T (NM_000109.4).
Identifiers: ClinVar variation 3337037 (VCV003337037.2).

ClinVar aggregate classification (germline): Likely pathogenic (1 of 4 stars; one submission).

Conditions:
Dilated cardiomyopathy 3B (CMD3B). Also called: CMD3B: DMD-Related Dilated Cardiomyopathy; CARDIOMYOPATHY, DILATED, X-LINKED; DMD-Associated Dilated Cardiomyopathy. Identifiers: Orphanet 154, MedGen C3668940, MONDO:0010542, OMIM 302045.

Submission:

Clinical Genetics Laboratory, Skane University Hospital Lund
Classification: Likely pathogenic for Dilated cardiomyopathy 3B. Last evaluated: 2025-04-10. Review status: criteria provided, single submitter. Criteria: ACMG Guidelines, 2015. Collection method: clinical testing. Allele origin: germline. Inheritance: X-linked inheritance. Affected: yes.
Comment: DMD c.31+7A>T, p.? is a nucleotide substitution at cDNA position 31+7 in intron 1 of 78 in the DMD gene (NM_004006.3), affecting a highly conserved position (PhyloP: 5.77). The variant is absent from normal controls in gnomAD v4.1.0 (PM2). In silico prediction tools indicate disruption of the splice donor site in intron 1 of DMD (SpliceAI: 0.35), which is expected to lead to a non-functional mRNA transcript (PP3; PMID: 37352859). Variants affecting exon 1 and the donor splice site in intron 1 have previously been associated with X-linked dilated cardiomyopathy (DCM; OMIM #302045; e.g. PMID: 8789442, 12354438, 20301298). cDNA analysis of exons 1-3 demonstrated significantly reduced transcript levels. These findings are consistent with a dystrophinopathy due to substantial disruption of the intron 1 splice donor site, manifesting clinically as DCM with mild myopathy. The variant segregated with disease with X-linked inheritance pattern over two meioses, and complementary WGS duo analysis did not identify any other plausible cause of DCM (PP1_supporting; PP4_strong; PMID: 38103548). In summary, the variant is classified as likely pathogenic (class 4).